The following is an entry in ClinVar:

ClinVar aggregate classification (germline): Uncertain significance (1 of 4 stars; one submission).

Submission:

Labcorp Genetics (formerly Invitae), Labcorp
Classification: Uncertain significance. Last evaluated: 2026-01-12. Review status: criteria provided, single submitter. Criteria: Invitae Variant Classification Sherloc (09022015). Collection method: clinical testing. Allele origin: germline.
Comment: This sequence change replaces valine, which is neutral and non-polar, with leucine, which is neutral and non-polar, at codon 221 of the ABCG8 protein (p.Val221Leu). This variant is not present in population databases (gnomAD no frequency). This variant has not been reported in the literature in individuals affected with ABCG8-related conditions. Invitae Evidence Modeling of protein sequence and biophysical properties (such as structural, functional, and spatial information, amino acid conservation, physicochemical variation, residue mobility, and thermodynamic stability) indicates that this missense variant is not expected to disrupt ABCG8 protein function with a negative predictive value of 80%. In summary, the available evidence is currently insufficient to determine the role of this variant in disease. Therefore, it has been classified as a Variant of Uncertain Significance.

NM_022437.3(ABCG8):c.661G>C (p.Val221Leu)

Gene: ABCG8 (ATP binding cassette subfamily G member 8; plus strand). Cytogenetic location: 2p21.
Variant type: single nucleotide variant.
Coding change: c.661G>C on transcript NM_022437.3 (MANE Select); coding-DNA position 661, G replaced by C.
Protein change: p.Val221Leu; replaces valine 221 with leucine.
Molecular consequence: missense variant.
Genome position (GRCh38, 1-based): chr2:43,852,453, G>C. VCF-style: chr2-43852453-G-C. GRCh37 (hg19) VCF-style: chr2-44079592-G-C.
Other names: c.661G>C, p.Val221Leu (NM_001357321.2); short protein forms V221L.
Identifiers: ClinVar variation 4809687 (VCV004809687.1).